The following is an entry in ClinVar:

NM_152703.5(SAMD9L):c.1229A>G (p.Asp410Gly)

Gene: SAMD9L (sterile alpha motif domain containing 9 like; minus strand). Cytogenetic location: 7q21.2.
Variant type: single nucleotide variant.
Coding change: c.1229A>G on transcript NM_152703.5 (MANE Select); coding-DNA position 1229, A replaced by G.
Protein change: p.Asp410Gly; replaces aspartic acid 410 with glycine.
Molecular consequence: missense variant.
Genome position (GRCh38, 1-based): chr7:93,134,743, T>C on the plus strand (A>G on the coding strand, the complement: SAMD9L is on the minus strand). VCF-style: chr7-93134743-T-C. GRCh37 (hg19) VCF-style: chr7-92764056-T-C.
Other names: c.1229A>G, p.Asp410Gly (NM_001303496.3, NM_001303497.3, NM_001303498.3 and 5 more transcripts); short protein forms D410G.
Identifiers: ClinVar variation 2037748 (VCV002037748.4), dbSNP rs765522343, ClinGen allele CA4343750.

ClinVar aggregate classification (germline): Uncertain significance (1 of 4 stars; one submission).

Allele frequency attached by ClinVar (database versions not stated): gnomAD exomes below 0.00001; ExAC 0.00001.

Submission:

Labcorp Genetics (formerly Invitae), Labcorp
Classification: Uncertain significance. Last evaluated: 2025-12-15. Review status: criteria provided, single submitter. Criteria: Invitae Variant Classification Sherloc (09022015). Collection method: clinical testing. Allele origin: germline.
Comment: This sequence change replaces aspartic acid, which is acidic and polar, with glycine, which is neutral and non-polar, at codon 410 of the SAMD9L protein (p.Asp410Gly). This variant is present in population databases (rs765522343, gnomAD 0.006%). This variant has not been reported in the literature in individuals affected with SAMD9L-related conditions. ClinVar contains an entry for this variant (Variation ID: 2037748). Invitae Evidence Modeling of protein sequence and biophysical properties (such as structural, functional, and spatial information, amino acid conservation, physicochemical variation, residue mobility, and thermodynamic stability) indicates that this missense variant is expected to disrupt SAMD9L protein function with a positive predictive value of 80%. In summary, the available evidence is currently insufficient to determine the role of this variant in disease. Therefore, it has been classified as a Variant of Uncertain Significance.